The following is an entry in ClinVar:

ClinVar aggregate classification (germline): Conflicting classifications of pathogenicity. Review status: criteria provided, conflicting classifications (1 of 4 stars). 4 submissions from 4 submitters: Uncertain significance (1); Likely benign (2). 1 of the submissions does not count toward it. Last evaluated 2025-12-16.

Conditions:
CEP164-related disorder. Also called: CEP164-related condition.
Nephronophthisis 15 (NPHP15). Identifiers: Orphanet 3156, MedGen C3541853, MONDO:0013917, OMIM 614845.

Allele frequency attached by ClinVar (database versions not stated): ExAC 0.00027; ESP Exome Variant Server 0.00054; gnomAD 0.00076 and 0.00077; 1000 Genomes Project 30x 0.00078; TOPMed 0.00081; 1000 Genomes Project 0.00100.
gnomAD v4.1: 316 of 1,609,866 alleles (0.02%); highest among the groups gnomAD compares: African/African-American, 0.27%; 2 homozygotes.

Submissions (4):

Labcorp Genetics (formerly Invitae), Labcorp
Classification: Likely benign for Nephronophthisis 15. Last evaluated: 2025-12-16. Review status: criteria provided, single submitter. Criteria: Invitae Variant Classification Sherloc (09022015). Collection method: clinical testing. Allele origin: germline.

Blueprint Genetics
Classification: Likely benign. Last evaluated: 2024-09-20. Review status: criteria provided, single submitter. Criteria: ACMG Guidelines, 2015. Collection method: clinical testing. Allele origin: germline.

Eurofins Ntd Llc (ga)
Classification: Uncertain significance. Last evaluated: 2015-12-21. Review status: criteria provided, single submitter. Criteria: EGL Classification Definitions 2015. Collection method: clinical testing. Allele origin: germline. Observed: 1 variant allele, 1 heterozygote.

PreventionGenetics, part of Exact Sciences
Classification: Likely benign for CEP164-related condition. Last evaluated: 2023-08-25. Review status: no assertion criteria provided. Collection method: clinical testing. Allele origin: germline. Not counted in ClinVar's aggregate classification.
Comment: This variant is classified as likely benign based on ACMG/AMP sequence variant interpretation guidelines (Richards et al. 2015 PMID: 25741868, with internal and published modifications).

NM_014956.5(CEP164):c.1438C>T (p.Arg480Trp)

Gene: CEP164 (centrosomal protein 164; plus strand). Cytogenetic location: 11q23.3.
Variant type: single nucleotide variant.
Coding change: c.1438C>T on transcript NM_014956.5 (MANE Select); coding-DNA position 1438, C replaced by T.
Protein change: p.Arg480Trp; replaces arginine 480 with tryptophan.
Molecular consequence: missense variant.
Genome position (GRCh38, 1-based): chr11:117,381,729, C>T. VCF-style: chr11-117381729-C-T. GRCh37 (hg19) VCF-style: chr11-117252445-C-T.
Other names: c.1447C>T, p.Arg483Trp (NM_001271933.2); short protein forms R480W, R483W.
Identifiers: ClinVar variation 285113 (VCV000285113.18), dbSNP rs112209873, ClinGen allele CA6294759.